The following is an entry in ClinVar:

NM_018297.4(NGLY1):c.1300C>G (p.Leu434Val)

Gene: NGLY1 (N-glycanase 1; minus strand). Cytogenetic location: 3p24.2.
Variant type: single nucleotide variant.
Coding change: c.1300C>G on transcript NM_018297.4 (MANE Select); coding-DNA position 1300, C replaced by G.
Protein change: p.Leu434Val; replaces leucine 434 with valine.
Molecular consequence: missense variant.
Genome position (GRCh38, 1-based): chr3:25,732,444, G>C on the plus strand (C>G on the coding strand, the complement: NGLY1 is on the minus strand). VCF-style: chr3-25732444-G-C. GRCh37 (hg19) VCF-style: chr3-25773935-G-C.
Other names: c.1246C>G, p.Leu416Val (NM_001145293.2); c.1174C>G, p.Leu392Val (NM_001145294.2); c.1300C>G, p.Leu434Val (NM_001145295.2); short protein forms L392V, L434V, L416V.
Identifiers: ClinVar variation 474209 (VCV000474209.13), dbSNP rs761035118, ClinGen allele CA2289190.

ClinVar aggregate classification (germline): Uncertain significance. Review status: criteria provided, multiple submitters, no conflicts (2 of 4 stars). 3 submissions from 3 submitters: Uncertain significance (3). Last evaluated 2026-02-10.

Conditions:
Congenital disorder of deglycosylation (CDDG). Identifiers: MedGen C3808991, MONDO:0031376.

Allele frequency attached by ClinVar (database versions not stated): gnomAD 0.00010; TOPMed 0.00012.
gnomAD v4.1: 66 of 1,613,458 alleles (0.0041%); highest among the groups gnomAD compares: Admixed American, 0.11%; no homozygotes.

Submissions (3):

GeneDx
Classification: Uncertain significance. Last evaluated: 2026-02-10. Review status: criteria provided, single submitter. Criteria: GeneDx Variant Classification Process June 2021. Collection method: clinical testing. Allele origin: germline. Affected: yes.
Comment: In silico analysis suggests that this missense variant does not alter protein structure/function; Has not been previously published as pathogenic or benign to our knowledge

Labcorp Genetics (formerly Invitae), Labcorp
Classification: Uncertain significance for Congenital disorder of deglycosylation. Last evaluated: 2022-10-03. Review status: criteria provided, single submitter. Criteria: Invitae Variant Classification Sherloc (09022015). Collection method: clinical testing. Allele origin: germline.
Comment: This sequence change replaces leucine, which is neutral and non-polar, with valine, which is neutral and non-polar, at codon 434 of the NGLY1 protein (p.Leu434Val). This variant is present in population databases (rs761035118, gnomAD 0.2%). This variant has not been reported in the literature in individuals affected with NGLY1-related conditions. ClinVar contains an entry for this variant (Variation ID: 474209). Advanced modeling of protein sequence and biophysical properties (such as structural, functional, and spatial information, amino acid conservation, physicochemical variation, residue mobility, and thermodynamic stability) performed at Invitae indicates that this missense variant is not expected to disrupt NGLY1 protein function. In summary, the available evidence is currently insufficient to determine the role of this variant in disease. Therefore, it has been classified as a Variant of Uncertain Significance.

Breakthrough Genomics
Classification: Uncertain significance. Review status: criteria provided, single submitter. Criteria: ACMG Guidelines, 2015. Collection method: not provided. Allele origin: germline. Inheritance: Autosomal recessive inheritance. Affected: yes.